The following is an entry in ClinVar:

ClinVar aggregate classification (germline): Benign/Likely benign. Review status: criteria provided, multiple submitters, no conflicts (2 of 4 stars). 3 submissions from 3 submitters: Benign (1); Likely benign (1). 1 of the submissions does not count toward it. Last evaluated 2026-01-05.

Conditions:
KANK1-related disorder. Also called: KANK1-related condition.

Submissions (3):

Labcorp Genetics (formerly Invitae), Labcorp
Classification: Benign. Last evaluated: 2026-01-05. Review status: criteria provided, single submitter. Criteria: Invitae Variant Classification Sherloc (09022015). Collection method: clinical testing. Allele origin: germline.

Blueprint Genetics
Classification: Likely benign. Last evaluated: 2024-10-04. Review status: criteria provided, single submitter. Criteria: ACMG Guidelines, 2015. Collection method: clinical testing. Allele origin: germline.

PreventionGenetics, part of Exact Sciences
Classification: Likely benign for KANK1-related condition. Last evaluated: 2019-03-05. Review status: no assertion criteria provided. Collection method: clinical testing. Allele origin: germline. Not counted in ClinVar's aggregate classification.
Comment: This variant is classified as likely benign based on ACMG/AMP sequence variant interpretation guidelines (Richards et al. 2015 PMID: 25741868, with internal and published modifications).

NM_015158.5(KANK1):c.1277_1282dup (p.Ala426_Val427dup)

Gene: KANK1 (KN motif and ankyrin repeat domains 1; plus strand). Cytogenetic location: 9p24.3.
Variant type: Duplication.
Coding change: c.1277_1282dup on transcript NM_015158.5 (MANE Select); coding-DNA positions 1277 to 1282, 6 bases duplicated (CTGTAG; older notation c.1277_1282dupCTGTAG).
Protein change: p.Ala426_Val427dup.
Molecular consequence: inframe insertion. On other transcripts: non-coding transcript variant (1).
Genome position (GRCh38, 1-based): chr9:712,043-712,048, CTGTAG duplicated; duplicating any 6 consecutive bases within chr9:712,041-712,048 gives the same sequence; the c. name uses the placement nearest the transcript's 3' end. VCF-style (leftmost placement, unchanged base first): chr9-712040-C-CAGCTGT. GRCh37 (hg19) VCF-style: chr9-712040-C-CAGCTGT.
Other names: c.1277_1282dup, p.Ala426_Val427dup (NM_001256876.3, NM_001256877.3, NM_001354331.2 and 2 more transcripts); c.803_808dup, p.Ala268_Val269dup (NM_001354333.2, NM_001354335.2, NM_001354336.2 and 9 more transcripts); c.1277_1282dup6 (NM_015158.3).
Identifiers: ClinVar variation 1623047 (VCV001623047.11), dbSNP rs141509675, ClinGen allele CA4960177.